The following is an entry in ClinVar:

NM_000551.4(VHL):c.340+639T>C

Genes: VHL (von Hippel-Lindau tumor suppressor; plus strand), LOC107303340 (3p25 von Hippel-Lindau tumor suppressor, E3 ubiquitin protein ligase Alu-mediated recombination region; plus strand). Cytogenetic location: 3p25.3.
Variant type: single nucleotide variant.
Coding change: c.340+639T>C on transcript NM_000551.4 (MANE Select); 639 bases into the intron after coding-DNA position 340, T replaced by C.
Molecular consequence: intron variant. On other transcripts: missense variant (1), non-coding transcript variant (1).
Genome position (GRCh38, 1-based): chr3:10,142,826, T>C. VCF-style: chr3-10142826-T-C. GRCh37 (hg19) VCF-style: chr3-10184510-T-C.
Other names: c.404T>C, p.Leu135Pro (NM_001354723.2); c.340+639T>C (NM_198156.3); short protein forms L135P.
Identifiers: ClinVar variation 3762655 (VCV003762655.2).
Genomic context (GRCh38, chr3:10,142,826, plus strand): 5'-TCATGACTCCAGTGGGCCAGTTCTGCGTAGTCCCTGCCCTCGTGGAGAACACATTCCTCC[T>C]GGGGAGACTGACAGATGCAAAGACAGGAACAAGCCAGGGTCATGTTGGCGCCGGAAGAGC-3'

ClinVar aggregate classification (germline): Uncertain significance (1 of 4 stars; one submission).

Conditions:
Chuvash polycythemia. Also called: POLYCYTHEMIA, VHL-DEPENDENT. Identifiers: Orphanet 238557, MedGen C1837915, MONDO:0009892, OMIM 263400.
Von Hippel-Lindau syndrome (VHLS). Also called: von Hippel–Lindau syndrome; VHL syndrome; Von Hippel-Lindau. Identifiers: Orphanet 892, MedGen C0019562, MONDO:0008667, OMIM 193300. Disease mechanism: loss of function.

Submission:

Labcorp Genetics (formerly Invitae), Labcorp
Classification: Uncertain significance for Von Hippel-Lindau syndrome; Chuvash polycythemia. Last evaluated: 2024-09-14. Review status: criteria provided, single submitter. Criteria: Invitae Variant Classification Sherloc (09022015). Collection method: clinical testing. Allele origin: germline.
Comment: This sequence change falls in intron 1 of the VHL gene. It is not expected to change the encoded amino acid sequence of the VHL protein. However, this sequence change falls within a cryptic exon in the VHL gene, known as exon E1’, which is naturally expressed at low levels in several human tissues (PMID: 29891534). This variant is not present in population databases (gnomAD no frequency). This variant has not been reported in the literature in individuals affected with VHL-related conditions. Algorithms developed to predict the effect of sequence changes on RNA splicing suggest that this variant is not likely to affect RNA splicing. In summary, the available evidence is currently insufficient to determine the role of this variant in disease. Therefore, it has been classified as a Variant of Uncertain Significance.

Literature cited by the submitters: PubMed 29891534.